The following is an entry in ClinVar:

ClinVar aggregate classification (germline): Uncertain significance. Review status: criteria provided, multiple submitters, no conflicts (2 of 4 stars). 2 submissions from 2 submitters: Uncertain significance (2). Last evaluated 2023-04-07.

Allele frequency attached by ClinVar (database versions not stated): gnomAD exomes below 0.00001; ExAC 0.00001; gnomAD 0.00004; TOPMed 0.00015; 1000 Genomes Project 30x 0.00016; 1000 Genomes Project 0.00020.
gnomAD v4.1: 16 of 1,614,086 alleles (0.00099%); highest among the groups gnomAD compares: Admixed American, 0.018%; no homozygotes.

Submissions (2):

Labcorp Genetics (formerly Invitae), Labcorp
Classification: Uncertain significance. Last evaluated: 2023-04-07. Review status: criteria provided, single submitter. Criteria: Invitae Variant Classification Sherloc (09022015). Collection method: clinical testing. Allele origin: germline.
Comment: This sequence change replaces isoleucine, which is neutral and non-polar, with phenylalanine, which is neutral and non-polar, at codon 116 of the TSEN34 protein (p.Ile116Phe). This variant is present in population databases (rs540633663, gnomAD 0.006%). This variant has not been reported in the literature in individuals affected with TSEN34-related conditions. An algorithm developed to predict the effect of missense changes on protein structure and function (PolyPhen-2) suggests that this variant is likely to be disruptive. In summary, the available evidence is currently insufficient to determine the role of this variant in disease. Therefore, it has been classified as a Variant of Uncertain Significance.

Ambry Genetics
Classification: Uncertain significance. Last evaluated: 2023-03-06. Review status: criteria provided, single submitter. Criteria: Ambry Variant Classification Scheme 2023. Collection method: clinical testing. Allele origin: germline.

NM_001077446.4(TSEN34):c.346A>T (p.Ile116Phe)

Gene: TSEN34 (tRNA splicing endonuclease subunit 34; plus strand). Cytogenetic location: 19q13.42.
Variant type: single nucleotide variant.
Coding change: c.346A>T on transcript NM_001077446.4 (MANE Select); coding-DNA position 346, A replaced by T.
Protein change: p.Ile116Phe; replaces isoleucine 116 with phenylalanine.
Molecular consequence: missense variant.
Genome position (GRCh38, 1-based): chr19:54,191,823, A>T. VCF-style: chr19-54191823-A-T. GRCh37 (hg19) VCF-style: chr19-54695674-A-T.
Other names: c.346A>T (NM_024075.3); c.346A>T, p.Ile116Phe (NM_001282332.2, NM_001282333.2, NM_001386740.1 and 1 more transcripts); short protein forms I116F.
Identifiers: ClinVar variation 2956338 (VCV002956338.4), dbSNP rs540633663, ClinGen allele CA309373840.
Genomic context (GRCh38, chr19:54,191,823, plus strand): 5'-GAGCAGAGCGCCTTGGCAGCTGAGGCCCGGGAGACCCGTCGTCAGGAGCTCCTGGAGAAG[A>T]TTACGGAGGGCCAGGCTGCTAAGAAGCAGAAACTAGAACAGGCTTCAGGGGCCAGCTCAA-3'
Protein context (NP_001070914.1, residues 106-126): ETRRQELLEK[Ile116Phe]TEGQAAKKQK